The following is an entry in ClinVar:

NM_001363711.2(DUOX2):c.422A>G (p.Asp141Gly)

Gene: DUOX2 (dual oxidase 2; minus strand). Cytogenetic location: 15q21.1.
Variant type: single nucleotide variant.
Coding change: c.422A>G on transcript NM_001363711.2 (MANE Select); coding-DNA position 422, A replaced by G.
Protein change: p.Asp141Gly; replaces aspartic acid 141 with glycine.
Molecular consequence: missense variant.
Genome position (GRCh38, 1-based): chr15:45,111,859, T>C on the plus strand (A>G on the coding strand, the complement: DUOX2 is on the minus strand). VCF-style: chr15-45111859-T-C. GRCh37 (hg19) VCF-style: chr15-45404057-T-C.
Other names: c.422A>G, p.Asp141Gly (NM_014080.5); short protein forms D141G.
Identifiers: ClinVar variation 1708335 (VCV001708335.6), dbSNP rs1359990966, ClinGen allele CA392279346.

ClinVar aggregate classification (germline): Uncertain significance. Review status: criteria provided, multiple submitters, no conflicts (2 of 4 stars). 2 submissions from 2 submitters: Uncertain significance (2). Last evaluated 2025-10-15.

Allele frequency attached by ClinVar (database versions not stated): TOPMed below 0.00001; gnomAD 0.00001; gnomAD exomes 0.00001.

Submissions (2):

Labcorp Genetics (formerly Invitae), Labcorp
Classification: Uncertain significance. Last evaluated: 2025-10-15. Review status: criteria provided, single submitter. Criteria: Invitae Variant Classification Sherloc (09022015). Collection method: clinical testing. Allele origin: germline.
Comment: This sequence change replaces aspartic acid, which is acidic and polar, with glycine, which is neutral and non-polar, at codon 141 of the DUOX2 protein (p.Asp141Gly). This variant is present in population databases (no rsID available, gnomAD 0.002%). This variant has not been reported in the literature in individuals affected with DUOX2-related conditions. ClinVar contains an entry for this variant (Variation ID: 1708335). Invitae Evidence Modeling of protein sequence and biophysical properties (such as structural, functional, and spatial information, amino acid conservation, physicochemical variation, residue mobility, and thermodynamic stability) indicates that this missense variant is not expected to disrupt DUOX2 protein function with a negative predictive value of 80%. In summary, the available evidence is currently insufficient to determine the role of this variant in disease. Therefore, it has been classified as a Variant of Uncertain Significance.

Centre of Medical Genetics, University Hospital Muenster
Classification: Uncertain significance. Last evaluated: 2021-12-21. Review status: criteria provided, single submitter. Criteria: ACMG Guidelines, 2015. Collection method: clinical testing. Allele origin: unknown. Affected: yes. Observed: 1 variant allele, 1 heterozygote.
Comment: ACMG categories: PM2